The following is an entry in ClinVar:

NM_001039958.2(MESP2):c.2T>A (p.Met1Lys)

Gene: MESP2 (mesoderm posterior bHLH transcription factor 2; plus strand). Cytogenetic location: 15q26.1.
Variant type: single nucleotide variant.
Coding change: c.2T>A on transcript NM_001039958.2 (MANE Select); coding-DNA position 2, T replaced by A.
Protein change: p.Met1Lys; changes the start codon (methionine 1).
Molecular consequence: missense variant, initiator codon variant.
Genome position (GRCh38, 1-based): chr15:89,776,359, T>A. VCF-style: chr15-89776359-T-A. GRCh37 (hg19) VCF-style: chr15-90319590-T-A.
Other names: short protein forms M1K.
Identifiers: ClinVar variation 4814565 (VCV004814565.1).
Genomic context (GRCh38, chr15:89,776,359, plus strand): 5'-ACATAAAAGCTCAGGCCTGGAGGTGGCCAACCCAGCCTCCCAGAGCCTGCAGCCCGGCCA[T>A]GGCCCAGTCGCCTCCTCCGCAGAGCCTCCTCGGCCACGACCACTGGATCTTCGCCCAGGG-3'
Protein context (NP_001035047.1, residues 1-11): [Met1Lys]AQSPPPQSLL

ClinVar aggregate classification (germline): Likely pathogenic (1 of 4 stars; one submission).

Conditions:
Spondylocostal dysostosis 2, autosomal recessive (SCDO2). Also called: MESP2-Related Spondylocostal Dysostosis, Autosomal Recessive; Spondylocostal dysostosis type 2. Identifiers: Orphanet 2311, MedGen C1837549, MONDO:0012097, OMIM 608681.

Submission:

Natera, Inc.
Classification: Likely pathogenic for Spondylocostal dysostosis type 2. Last evaluated: 2024-09-27. Review status: criteria provided, single submitter. Criteria: Natera Variant Classification Schema (03/2026). Collection method: clinical testing. Allele origin: germline.
Comment: The c.2T>A variant in MESP2 is predicted to result in start loss due to disruption of the initiator methionine. This variant is expected to result in nonsense mediated decay, truncation, or a dysfunctional protein product. This variant is rare in the general population with a frequency below the threshold expected for the associated phenotype(s). Given the available evidence, this variant is classified as Likely Pathogenic.